The following is an entry in ClinVar:

NM_201384.3(PLEC):c.2457+6C>T

Gene: PLEC (plectin; minus strand). Cytogenetic location: 8q24.3.
Variant type: single nucleotide variant.
Coding change: c.2457+6C>T on transcript NM_201384.3 (MANE Select); 6 bases into the intron after coding-DNA position 2457, C replaced by T.
Molecular consequence: intron variant.
Genome position (GRCh38, 1-based): chr8:143,930,378, G>A on the plus strand (C>T on the coding strand, the complement: PLEC is on the minus strand). VCF-style: chr8-143930378-G-A. GRCh37 (hg19) VCF-style: chr8-145004546-G-A.
Other names: p.?; c.2538+6C>T (NM_000445.5); c.2415+6C>T (NM_201378.4); c.2391+6C>T (NM_201379.3); c.2868+6C>T (NM_201380.4); c.2361+6C>T (NM_201381.3); c.2457+6C>T (NM_201382.4); c.2469+6C>T (NM_201383.3).
Identifiers: ClinVar variation 129938 (VCV000129938.32), dbSNP rs11780911, ClinGen allele CA154481.

ClinVar aggregate classification (germline): Benign. Review status: criteria provided, multiple submitters, no conflicts (2 of 4 stars). 16 submissions from 12 submitters: Benign (13). 3 of the submissions do not count toward it. Last evaluated 2026-02-04.

Conditions:
Autosomal recessive limb-girdle muscular dystrophy type 2Q (LGMDR17). Also called: MUSCULAR DYSTROPHY, LIMB-GIRDLE, AUTOSOMAL RECESSIVE 17. Identifiers: Orphanet 254361, MedGen C3150989, MONDO:0013390, OMIM 613723.
Epidermolysis bullosa simplex, Ogna type (EBS5A). Also called: Pidermolysis bullosa simplex 5A, Ogna type; EPIDERMOLYSIS BULLOSA SIMPLEX 5A, OGNA TYPE. Identifiers: Orphanet 79401, MedGen C0432317, MONDO:0007555, OMIM 131950.
Epidermolysis bullosa simplex 5B, with muscular dystrophy (EBS5B). Also called: Epidermolysis bullosa simplex with muscular dystrophy; EPIDERMOLYSIS BULLOSA SIMPLEX AND LIMB-GIRDLE MUSCULAR DYSTROPHY. Identifiers: Orphanet 257, MedGen C2931072, MONDO:0009181, OMIM 226670.
Epidermolysis bullosa simplex 5C, with pyloric atresia (EBS5C). Also called: PLEC1-Related Epidermolysis Bullosa with Pyloric Atresia; PLEC-Related Epidermolysis Bullosa with Pyloric Atresia; Epidermolysis bullosa simplex with pyloric atresia. Identifiers: Orphanet 158684, MedGen C2677349, MONDO:0012807, OMIM 612138.
Epidermolysis bullosa simplex with nail dystrophy (EBS5D). Identifiers: MedGen C4225309, MONDO:0014661, OMIM 616487.

Allele frequency attached by ClinVar (database versions not stated): 1000 Genomes Project 30x 0.56480; 1000 Genomes Project 0.57188; TOPMed 0.64714; gnomAD 0.66214 and 0.66237; ESP Exome Variant Server 0.69877; gnomAD exomes 0.71413 and 0.78878; ExAC 0.74106.
gnomAD v4.1: 1,217,861 of 1,570,352 alleles (78%); highest among the groups gnomAD compares: Non-Finnish European, 83%; 482,209 homozygotes.

Submissions (16):

Labcorp Genetics (formerly Invitae), Labcorp
Classification: Benign for Autosomal recessive limb-girdle muscular dystrophy type 2Q; Epidermolysis bullosa simplex, Ogna type; Epidermolysis bullosa simplex with nail dystrophy; Epidermolysis bullosa simplex 5C, with pyloric atresia; Epidermolysis bullosa simplex 5B, with muscular dystrophy. Last evaluated: 2026-02-04. Review status: criteria provided, single submitter. Criteria: Invitae Variant Classification Sherloc (09022015). Collection method: clinical testing. Allele origin: germline.

Blueprint Genetics
Classification: Benign. Last evaluated: 2024-11-27. Review status: criteria provided, single submitter. Criteria: ACMG Guidelines, 2015. Collection method: clinical testing. Allele origin: germline.

Genome-Nilou Lab
Classification: Benign for Epidermolysis bullosa simplex with nail dystrophy. Last evaluated: 2021-10-25. Review status: criteria provided, single submitter. Criteria: ACMG Guidelines, 2015. Collection method: clinical testing. Allele origin: germline. Affected: no.

Genome-Nilou Lab
Classification: Benign for Epidermolysis bullosa simplex, Ogna type. Last evaluated: 2021-10-25. Review status: criteria provided, single submitter. Criteria: ACMG Guidelines, 2015. Collection method: clinical testing. Allele origin: germline. Affected: no.

Genome-Nilou Lab
Classification: Benign for Epidermolysis bullosa simplex 5B, with muscular dystrophy. Last evaluated: 2021-10-25. Review status: criteria provided, single submitter. Criteria: ACMG Guidelines, 2015. Collection method: clinical testing. Allele origin: germline. Affected: no.

Genome-Nilou Lab
Classification: Benign for Epidermolysis bullosa simplex 5C, with pyloric atresia. Last evaluated: 2021-10-25. Review status: criteria provided, single submitter. Criteria: ACMG Guidelines, 2015. Collection method: clinical testing. Allele origin: germline. Affected: no.

Genome-Nilou Lab
Classification: Benign for Autosomal recessive limb-girdle muscular dystrophy type 2Q. Last evaluated: 2021-10-25. Review status: criteria provided, single submitter. Criteria: ACMG Guidelines, 2015. Collection method: clinical testing. Allele origin: germline. Affected: no.

Mayo Clinic Laboratories, Mayo Clinic
Classification: Benign. Last evaluated: 2017-10-11. Review status: criteria provided, single submitter. Criteria: ACMG Guidelines, 2015. Collection method: clinical testing. Allele origin: germline. Observed: 1,218 variant alleles.

Eurofins Ntd Llc (ga)
Classification: Benign. Last evaluated: 2016-02-12. Review status: criteria provided, single submitter. Criteria: EGL Classification Definitions 2015. Collection method: clinical testing. Allele origin: germline. Observed: 68 variant alleles, 29 heterozygotes, 39 homozygotes.

GeneDx
Classification: Benign. Last evaluated: 2015-03-03. Review status: criteria provided, single submitter. Criteria: GeneDx Variant Classification Process June 2021. Collection method: clinical testing. Allele origin: germline. Affected: yes.

Laboratory for Molecular Medicine, Mass General Brigham Personalized Medicine
Classification: Benign. Last evaluated: 2015-01-13. Review status: criteria provided, single submitter. Criteria: LMM Criteria. Collection method: clinical testing. Allele origin: germline. Observed: 12 variant alleles.
Comment: c.2868+6C>T in intron 20 of PLEC: This variant is not expected to have clinical significance because it has been identified in 45.4% (1842/4060) of African Amer ican chromosomes from a broad population by the NHLBI Exome Sequencing Project (dbSNP rs11780911).

Breakthrough Genomics
Classification: Benign. Review status: criteria provided, single submitter. Criteria: ACMG Guidelines, 2015. Collection method: not provided. Allele origin: germline. Inheritance: Autosomal recessive inheritance. Affected: yes.

PreventionGenetics, part of Exact Sciences
Classification: Benign. Review status: criteria provided, single submitter. Criteria: ACMG Guidelines, 2015. Collection method: clinical testing. Allele origin: germline.

Clinical Genetics, Academic Medical Center
Classification: Benign. Review status: no assertion criteria provided. Collection method: clinical testing. Allele origin: germline. Affected: yes. Study: VKGL Data-share Consensus. Not counted in ClinVar's aggregate classification.

Diagnostic Laboratory, Department of Genetics, University Medical Center Groningen
Classification: Benign. Review status: no assertion criteria provided. Collection method: clinical testing. Allele origin: germline. Affected: yes. Study: VKGL Data-share Consensus. Not counted in ClinVar's aggregate classification.

Genetic Services Laboratory, University of Chicago
Classification: Likely benign for AllHighlyPenetrant. Review status: no assertion criteria provided. Collection method: clinical testing. Allele origin: germline. Inheritance: Autosomal recessive inheritance. Not counted in ClinVar's aggregate classification.
Comment: Likely benign based on allele frequency in 1000 Genomes Project or ESP global frequency and its presence in a patient with a rare or unrelated disease phenotype. NOT Sanger confirmed.